The following is an entry in ClinVar:

NM_004360.5(CDH1):c.812T>C (p.Val271Ala)

Gene: CDH1 (cadherin 1; plus strand). Cytogenetic location: 16q22.1.
Variant type: single nucleotide variant.
Coding change: c.812T>C on transcript NM_004360.5 (MANE Select); coding-DNA position 812, T replaced by C.
Protein change: p.Val271Ala; replaces valine 271 with alanine.
Molecular consequence: missense variant. On other transcripts: 5 prime UTR variant (2).
Genome position (GRCh38, 1-based): chr16:68,810,321, T>C. VCF-style: chr16-68810321-T-C. GRCh37 (hg19) VCF-style: chr16-68844224-T-C.
Other names: c.812T>C, p.Val271Ala (NM_001317184.2); c.-804T>C (NM_001317185.2); c.-1008T>C (NM_001317186.2); short protein forms V271A.
Identifiers: ClinVar variation 3896484 (VCV003896484.2).

ClinVar aggregate classification (germline): Uncertain significance (1 of 4 stars; one submission).

Submission:

Women's Health and Genetics/Laboratory Corporation of America, LabCorp
Classification: Uncertain significance. Last evaluated: 2025-04-04. Review status: criteria provided, single submitter. Criteria: LabCorp Variant Classification Summary - May 2015. Collection method: clinical testing. Allele origin: germline.
Comment: Variant summary: CDH1 c.812T>C (p.Val271Ala) results in a non-conservative amino acid change in the encoded protein sequence. Five of five in-silico tools predict a damaging effect of the variant on protein function. The variant was absent in 251452 control chromosomes. The available data on variant occurrences in the general population are insufficient to allow any conclusion about variant significance. To our knowledge, no occurrence of c.812T>C in individuals affected with Breast Cancer and no experimental evidence demonstrating its impact on protein function have been reported. No submitters have cited clinical-significance assessments for this variant to ClinVar. Based on the evidence outlined above, the variant was classified as uncertain significance.